The following is an entry in ClinVar:

ClinVar aggregate classification (germline): Uncertain significance (1 of 4 stars; one submission).

gnomAD v4.1: 4 of 1,613,314 alleles (0.00025%); highest among the groups gnomAD compares: Admixed American, 0.0017%; no homozygotes.

Submission:

Athena Diagnostics
Classification: Uncertain significance. Last evaluated: 2023-10-21. Review status: criteria provided, single submitter. Criteria: Athena Diagnostics Criteria. Collection method: clinical testing. Allele origin: unknown.
Comment: Available data are insufficient to determine the clinical significance of the variant at this time. The frequency of this variant in the general population is uninformative in assessment of its pathogenicity. This variant has been seen where an alternate explanation for disease was also identified, suggesting this variant may not cause disease. Computational tools predict that this variant is not damaging.

NM_006946.4(SPTBN2):c.4151G>A (p.Arg1384Gln)

Gene: SPTBN2 (spectrin beta, non-erythrocytic 2; minus strand). Cytogenetic location: 11q13.2.
Variant type: single nucleotide variant.
Coding change: c.4151G>A on transcript NM_006946.4 (MANE Select); coding-DNA position 4151, G replaced by A.
Protein change: p.Arg1384Gln; replaces arginine 1384 with glutamine.
Molecular consequence: missense variant.
Genome position (GRCh38, 1-based): chr11:66,696,404, C>T on the plus strand (G>A on the coding strand, the complement: SPTBN2 is on the minus strand). VCF-style: chr11-66696404-C-T. GRCh37 (hg19) VCF-style: chr11-66463875-C-T.
Other names: c.4172G>A, p.Arg1391Gln (NM_001411025.1); short protein forms R1384Q, R1391Q.
Identifiers: ClinVar variation 3571808 (VCV003571808.1).